The following is an entry in ClinVar:

NM_001458.5(FLNC):c.945G>C (p.Glu315Asp)

Gene: FLNC (filamin C; plus strand). Cytogenetic location: 7q32.1.
Variant type: single nucleotide variant.
Coding change: c.945G>C on transcript NM_001458.5 (MANE Select); coding-DNA position 945, G replaced by C.
Protein change: p.Glu315Asp; replaces glutamic acid 315 with aspartic acid.
Molecular consequence: missense variant.
Genome position (GRCh38, 1-based): chr7:128,837,731, G>C. VCF-style: chr7-128837731-G-C. GRCh37 (hg19) VCF-style: chr7-128477785-G-C.
Other names: c.945G>C, p.Glu315Asp (NM_001127487.2); short protein forms E315D.
Identifiers: ClinVar variation 4812401 (VCV004812401.1).

ClinVar aggregate classification (germline): Uncertain significance (1 of 4 stars; one submission).

Conditions:
Hypertrophic cardiomyopathy 26. Also called: Cardiomyopathy, familial hypertrophic, 26. Identifiers: Orphanet 75249, MedGen C4310749, MONDO:0014883, OMIM 617047.
Myofibrillar myopathy 5. Also called: Filaminopathy (type); FILAMINOPATHY, AUTOSOMAL DOMINANT. Identifiers: Orphanet 171445, MedGen C1836050, MONDO:0012289, OMIM 609524.
Distal myopathy with posterior leg and anterior hand involvement. Also called: WILLIAMS DISTAL MYOPATHY. Identifiers: Orphanet 63273, MedGen C3279722, MONDO:0013550, OMIM 614065.

Submission:

Labcorp Genetics (formerly Invitae), Labcorp
Classification: Uncertain significance for Distal myopathy with posterior leg and anterior hand involvement; Myofibrillar myopathy 5; Hypertrophic cardiomyopathy 26. Last evaluated: 2025-05-19. Review status: criteria provided, single submitter. Criteria: Invitae Variant Classification Sherloc (09022015). Collection method: clinical testing. Allele origin: germline.
Comment: This sequence change replaces glutamic acid, which is acidic and polar, with aspartic acid, which is acidic and polar, at codon 315 of the FLNC protein (p.Glu315Asp). This variant is not present in population databases (gnomAD no frequency). This variant has not been reported in the literature in individuals affected with FLNC-related conditions. Invitae Evidence Modeling of protein sequence and biophysical properties (such as structural, functional, and spatial information, amino acid conservation, physicochemical variation, residue mobility, and thermodynamic stability) has been performed for this missense variant. However, the output from this modeling did not meet the statistical confidence thresholds required to predict the impact of this variant on FLNC protein function. In summary, the available evidence is currently insufficient to determine the role of this variant in disease. Therefore, it has been classified as a Variant of Uncertain Significance.